The following is an entry in ClinVar:

NM_001377334.1(PIK3C2B):c.667C>T (p.Leu223=)

Gene: PIK3C2B (phosphatidylinositol-4-phosphate 3-kinase catalytic subunit type 2 beta; minus strand). Cytogenetic location: 1q32.1.
Variant type: single nucleotide variant.
Coding change: c.667C>T on transcript NM_001377334.1 (MANE Select); coding-DNA position 667, C replaced by T.
Protein change: p.Leu223=; no amino-acid change (leucine 223 retained).
Molecular consequence: synonymous variant.
Genome position (GRCh38, 1-based): chr1:204,469,136, G>A on the plus strand (C>T on the coding strand, the complement: PIK3C2B is on the minus strand). VCF-style: chr1-204469136-G-A. GRCh37 (hg19) VCF-style: chr1-204438264-G-A.
Other names: c.667C>T, p.Leu223= (NM_001377335.1, NM_002646.4).
Identifiers: ClinVar variation 4533700 (VCV004533700.6).

ClinVar aggregate classification (germline): Likely benign (1 of 4 stars; one submission).

gnomAD v4.1: 869 of 1,614,168 alleles (0.054%); highest among the groups gnomAD compares: Non-Finnish European, 0.069%; 2 homozygotes.

Submission:

CeGaT Center for Human Genetics Tuebingen
Classification: Likely benign. Last evaluated: 2025-10-01. Review status: criteria provided, single submitter. Criteria: CeGaT Center For Human Genetics Tuebingen Variant Classification Criteria Version 2. Collection method: clinical testing. Allele origin: germline. Affected: yes. Observed: 1 variant allele.
Comment: PIK3C2B: BP4